The following is an entry in ClinVar:

NM_000540.3(RYR1):c.10259+1G>A

Gene: RYR1 (ryanodine receptor 1; plus strand). Cytogenetic location: 19q13.2.
Variant type: single nucleotide variant.
Coding change: c.10259+1G>A on transcript NM_000540.3 (MANE Select); the canonical splice donor site of the intron after coding-DNA position 10259, G replaced by A.
Molecular consequence: splice donor variant.
Genome position (GRCh38, 1-based): chr19:38,519,455, G>A. VCF-style: chr19-38519455-G-A. GRCh37 (hg19) VCF-style: chr19-39010095-G-A.
Other names: c.10259+1G>A (NM_001042723.2).
Identifiers: ClinVar variation 2699017 (VCV002699017.3), dbSNP rs2514444674, ClinGen allele CA405696906.
Genomic context (GRCh38, chr19:38,519,455, plus strand): 5'-GCTCTGCCGGGACCTCTACGCCCTGTATCCGCTGCTCATCCGCTACGTGGACAACAACAG[G>A]TCAGCGGGGCCCCGCTGTCCCCATGCCCTCCGCCCCGACCTCCCACGTCCTCCAGCCCCA-3'

ClinVar aggregate classification (germline): Likely pathogenic (1 of 4 stars; one submission).

Conditions:
RYR1-related disorder. Also called: RYR1-related condition; RYR1-related disorders. Identifiers: MedGen CN239331.

Submission:

Labcorp Genetics (formerly Invitae), Labcorp
Classification: Likely pathogenic for RYR1-related disorder. Last evaluated: 2023-06-08. Review status: criteria provided, single submitter. Criteria: Invitae Variant Classification Sherloc (09022015). Collection method: clinical testing. Allele origin: germline.
Comment: This sequence change affects a donor splice site in intron 67 of the RYR1 gene. It is expected to disrupt RNA splicing. Variants that disrupt the donor or acceptor splice site typically lead to a loss of protein function (PMID: 16199547), and loss-of-function variants in RYR1 are known to be pathogenic (PMID: 23919265, 25960145, 28818389, 30611313). This variant is not present in population databases (gnomAD no frequency). This variant has not been reported in the literature in individuals affected with RYR1-related conditions. Algorithms developed to predict the effect of sequence changes on RNA splicing suggest that this variant may disrupt the consensus splice site. In summary, the currently available evidence indicates that the variant is pathogenic, but additional data are needed to prove that conclusively. Therefore, this variant has been classified as Likely Pathogenic.

Literature cited by the submitters: PubMed 16199547; PubMed 23919265; PubMed 25960145; PubMed 28818389; PubMed 30611313.